The following is an entry in ClinVar:

NM_182961.4(SYNE1):c.26206T>G (p.Ser8736Ala)

Genes: ESR1 (estrogen receptor 1; plus strand), SYNE1 (spectrin repeat containing nuclear envelope protein 1; minus strand). Cytogenetic location: 6q25.2.
Variant type: single nucleotide variant.
Coding change: c.26206T>G on transcript NM_182961.4 (MANE Select); coding-DNA position 26206, T replaced by G.
Protein change: p.Ser8736Ala; replaces serine 8736 with alanine.
Molecular consequence: missense variant. On other transcripts: 3 prime UTR variant (1), intron variant (1).
Genome position (GRCh38, 1-based): chr6:152,122,624, A>C on the plus strand (T>G on the coding strand, the complement: SYNE1 is on the minus strand). VCF-style: chr6-152122624-A-C. GRCh37 (hg19) VCF-style: chr6-152443759-A-C.
Other names: c.*17T>G (NM_001347701.2); c.2740T>G, p.Ser914Ala (NM_001347702.2); c.26062T>G, p.Ser8688Ala (NM_033071.5); c.851-2642A>C (NM_001328100.2); short protein forms S8688A, S8736A, S914A.
Identifiers: ClinVar variation 289958 (VCV000289958.11), dbSNP rs886044316, ClinGen allele CA10606609.

ClinVar aggregate classification (germline): Uncertain significance. Review status: criteria provided, multiple submitters, no conflicts (2 of 4 stars). 2 submissions from 2 submitters: Uncertain significance (2). Last evaluated 2026-03-01.

Allele frequency attached by ClinVar (database versions not stated): gnomAD exomes 0.00001 and below 0.00001; TOPMed below 0.00001; gnomAD 0.00001.
gnomAD v4.1: 12 of 1,613,998 alleles (0.00074%); highest among the groups gnomAD compares: African/African-American, 0.0013%; no homozygotes.

Submissions (2):

CeGaT Center for Human Genetics Tuebingen
Classification: Uncertain significance. Last evaluated: 2026-03-01. Review status: criteria provided, single submitter. Criteria: CeGaT Center For Human Genetics Tuebingen Variant Classification Criteria Version 2. Collection method: clinical testing. Allele origin: germline. Affected: yes. Observed: 1 variant allele.
Comment: SYNE1: PM2, BP4

Eurofins Ntd Llc (ga)
Classification: Uncertain significance. Last evaluated: 2016-08-01. Review status: criteria provided, single submitter. Criteria: EGL Classification Definitions 2015. Collection method: clinical testing. Allele origin: germline. Observed: 1 variant allele, 1 heterozygote.